The following is an entry in ClinVar:

ClinVar aggregate classification (germline): Uncertain significance (1 of 4 stars; one submission).

gnomAD v4.1: 17 of 1,596,476 alleles (0.0011%); highest among the groups gnomAD compares: East Asian, 0.038%; no homozygotes.

Submission:

GeneDx
Classification: Uncertain significance. Last evaluated: 2022-07-13. Review status: criteria provided, single submitter. Criteria: GeneDx Variant Classification Process June 2021. Collection method: clinical testing. Allele origin: germline. Affected: yes.
Comment: Not observed at significant frequency in large population cohorts (gnomAD); In silico analysis supports that this missense variant does not alter protein structure/function; Has not been previously published as pathogenic or benign to our knowledge

NM_002941.4(ROBO1):c.4751T>C (p.Ile1584Thr)

Gene: ROBO1 (roundabout guidance receptor 1; minus strand). Cytogenetic location: 3p12.3.
Variant type: single nucleotide variant.
Coding change: c.4751T>C on transcript NM_002941.4 (MANE Select); coding-DNA position 4751, T replaced by C.
Protein change: p.Ile1584Thr; replaces isoleucine 1584 with threonine.
Molecular consequence: missense variant.
Genome position (GRCh38, 1-based): chr3:78,600,303, A>G on the plus strand (T>C on the coding strand, the complement: ROBO1 is on the minus strand). VCF-style: chr3-78600303-A-G. GRCh37 (hg19) VCF-style: chr3-78649453-A-G.
Other names: c.4616T>C, p.Ile1539Thr (NM_001145844.1, NM_133631.4); c.4451T>C, p.Ile1484Thr (NM_001145845.2); short protein forms I1484T, I1539T, I1584T.
Identifiers: ClinVar variation 1878687 (VCV001878687.1), dbSNP rs1703096607, ClinGen allele CA353683123.